The following is an entry in ClinVar:

ClinVar aggregate classification (germline): Uncertain significance (1 of 4 stars; one submission).

Conditions:
Hereditary cancer-predisposing syndrome. Also called: Neoplastic Syndromes, Hereditary; Tumor predisposition; Hereditary Cancer Syndrome; Hereditary neoplastic syndrome. Identifiers: Orphanet 140162, MedGen C0027672, MeSH D009386, MONDO:0015356.

Submission:

Ambry Genetics
Classification: Uncertain significance for Hereditary cancer-predisposing syndrome. Last evaluated: 2025-12-24. Review status: criteria provided, single submitter. Criteria: Ambry Variant Classification Scheme 2023. Collection method: clinical testing. Allele origin: germline.
Comment: The p.Y524C variant (also known as c.1571A>G), located in coding exon 4 of the MSH6 gene, results from an A to G substitution at nucleotide position 1571. The tyrosine at codon 524 is replaced by cysteine, an amino acid with highly dissimilar properties. This amino acid position is conserved. In addition, this alteration is predicted to be deleterious by in silico analysis. Based on the available evidence, the clinical significance of this variant remains unclear.

NM_000179.3(MSH6):c.1571A>G (p.Tyr524Cys)

Gene: MSH6 (mutS homolog 6; plus strand). Cytogenetic location: 2p16.3.
Variant type: single nucleotide variant.
Coding change: c.1571A>G on transcript NM_000179.3 (MANE Select); coding-DNA position 1571, A replaced by G.
Protein change: p.Tyr524Cys; replaces tyrosine 524 with cysteine.
Molecular consequence: missense variant. On other transcripts: non-coding transcript variant (4), intron variant (1).
Genome position (GRCh38, 1-based): chr2:47,799,554, A>G. VCF-style: chr2-47799554-A-G. GRCh37 (hg19) VCF-style: chr2-48026693-A-G.
Other names: c.665A>G, p.Tyr222Cys (NM_001406811.1, NM_001406812.1, NM_001406814.1 and 6 more transcripts); c.1577A>G, p.Tyr526Cys (NM_001406813.1); c.1571A>G, p.Tyr524Cys (NM_001406817.1, NM_001406796.1, NM_001406798.1 and 4 more transcripts); c.1274A>G, p.Tyr425Cys (NM_001406818.1, NM_001406819.1, NM_001406820.1 and 10 more transcripts); c.1181A>G, p.Tyr394Cys (NM_001281492.2); c.1667A>G, p.Tyr556Cys (NM_001406795.1, NM_001406802.1); c.628-1112A>G (NM_001407362.1); c.1046A>G, p.Tyr349Cys (NM_001406799.1, NM_001406806.1, NM_001406807.1); and 2 more; short protein forms Y349C, Y425C, Y468C, Y524C, Y498C, Y222C, Y394C, Y526C.
Identifiers: ClinVar variation 4843692 (VCV004843692.1).